The following is an entry in ClinVar:

NM_015541.3(LRIG1):c.2781C>T (p.Gly927=)

Gene: LRIG1 (leucine rich repeats and immunoglobulin like domains 1; minus strand). Cytogenetic location: 3p14.1.
Variant type: single nucleotide variant.
Coding change: c.2781C>T on transcript NM_015541.3 (MANE Select); coding-DNA position 2781, C replaced by T.
Protein change: p.Gly927=; no amino-acid change (glycine 927 retained).
Molecular consequence: synonymous variant.
Genome position (GRCh38, 1-based): chr3:66,380,851, G>A on the plus strand (C>T on the coding strand, the complement: LRIG1 is on the minus strand). VCF-style: chr3-66380851-G-A. GRCh37 (hg19) VCF-style: chr3-66431275-G-A.
Other names: c.2706C>T, p.Gly902= (NM_001377344.1); c.2001C>T, p.Gly667= (NM_001377345.1, NM_001377346.1); c.1779C>T, p.Gly593= (NM_001377347.1); c.1752C>T, p.Gly584= (NM_001377348.1); c.1497C>T, p.Gly499= (NM_001377349.1).
Identifiers: ClinVar variation 3037526 (VCV003037526.2), dbSNP rs118034960, ClinGen allele CA2484159.

ClinVar aggregate classification (germline): Benign (0 of 4 stars; one submission).

Conditions:
LRIG1-related disorder. Also called: LRIG1-related condition.

Allele frequency attached by ClinVar (database versions not stated): ESP Exome Variant Server 0.00015; gnomAD exomes 0.00147; gnomAD 0.00280; TOPMed 0.00314; ExAC 0.00562; 1000 Genomes Project 30x 0.01686; 1000 Genomes Project 0.01697.
gnomAD v4.1: 2,748 of 1,613,856 alleles (0.17%); highest among the groups gnomAD compares: East Asian, 4.9%; 72 homozygotes.

Submission:

PreventionGenetics, part of Exact Sciences
Classification: Benign for LRIG1-related condition. Last evaluated: 2019-08-26. Review status: no assertion criteria provided. Collection method: clinical testing. Allele origin: germline.
Comment: This variant is classified as benign based on ACMG/AMP sequence variant interpretation guidelines (Richards et al. 2015 PMID: 25741868, with internal and published modifications).